The following is an entry in ClinVar:

NM_020919.4(ALS2):c.1600G>C (p.Gly534Arg)

Gene: ALS2 (alsin Rho guanine nucleotide exchange factor ALS2; minus strand). Cytogenetic location: 2q33.1.
Variant type: single nucleotide variant.
Coding change: c.1600G>C on transcript NM_020919.4 (MANE Select); coding-DNA position 1600, G replaced by C.
Protein change: p.Gly534Arg; replaces glycine 534 with arginine.
Molecular consequence: missense variant.
Genome position (GRCh38, 1-based): chr2:201,754,543, C>G on the plus strand (G>C on the coding strand, the complement: ALS2 is on the minus strand). VCF-style: chr2-201754543-C-G. GRCh37 (hg19) VCF-style: chr2-202619266-C-G.
Other names: short protein forms G534R.
Identifiers: ClinVar variation 533748 (VCV000533748.10), dbSNP rs1553513641, ClinGen allele CA350326176.

ClinVar aggregate classification (germline): Conflicting classifications of pathogenicity. Review status: criteria provided, conflicting classifications (1 of 4 stars). 2 submissions from 2 submitters: Likely pathogenic (1); Uncertain significance (1). Last evaluated 2023-03-28.

Conditions:
Infantile-onset ascending hereditary spastic paralysis (IAHSP). Also called: Infantile-Onset Ascending Hereditary Spastic Paralysis (IAHSP); Autosomal Recessive Juvenile Amyotrophic Lateral Sclerosis. Identifiers: Orphanet 293168, MedGen C2931441, MONDO:0011797, OMIM 607225. Disease mechanism: loss of function.

Allele frequency attached by ClinVar (database versions not stated): gnomAD exomes below 0.00001.

Submissions (2):

Labcorp Genetics (formerly Invitae), Labcorp
Classification: Likely pathogenic for Infantile-onset ascending hereditary spastic paralysis. Last evaluated: 2023-03-28. Review status: criteria provided, single submitter. Criteria: Invitae Variant Classification Sherloc (09022015). Collection method: clinical testing. Allele origin: germline.
Comment: This sequence change replaces glycine, which is neutral and non-polar, with arginine, which is basic and polar, at codon 534 of the ALS2 protein (p.Gly534Arg). In summary, the currently available evidence indicates that the variant is pathogenic, but additional data are needed to prove that conclusively. Therefore, this variant has been classified as Likely Pathogenic. Advanced modeling of protein sequence and biophysical properties (such as structural, functional, and spatial information, amino acid conservation, physicochemical variation, residue mobility, and thermodynamic stability) performed at Invitae indicates that this missense variant is expected to disrupt ALS2 protein function. ClinVar contains an entry for this variant (Variation ID: 533748). This missense change has been observed in individual(s) with spastic paraplegia (PMID: 31130284; Invitae). In at least one individual the data is consistent with being in trans (on the opposite chromosome) from a pathogenic variant. This variant is not present in population databases (gnomAD no frequency).

GeneDx
Classification: Uncertain significance. Last evaluated: 2020-01-21. Review status: criteria provided, single submitter. Criteria: GeneDx Variant Classification Process June 2021. Collection method: clinical testing. Allele origin: germline. Affected: yes.
Comment: Not observed in large population cohorts (Lek et al., 2016); In silico analysis, which includes protein predictors and evolutionary conservation, supports a deleterious effect; Has not been previously published as pathogenic or benign to our knowledge; This variant is associated with the following publications: (PMID: 31130284)

Literature cited by the submitters: PubMed 31130284 (cited by Labcorp Genetics (formerly Invitae), Labcorp).